The following is an entry in ClinVar:

NM_174936.4(PCSK9):c.303G>A (p.Gln101=)

Gene: PCSK9 (proprotein convertase subtilisin/kexin type 9; plus strand). Cytogenetic location: 1p32.3.
Variant type: single nucleotide variant.
Coding change: c.303G>A on transcript NM_174936.4 (MANE Select); coding-DNA position 303, G replaced by A.
Protein change: p.Gln101=; no amino-acid change (glutamine 101 retained).
Molecular consequence: synonymous variant. On other transcripts: 5 prime UTR variant (1), non-coding transcript variant (6), intron variant (1).
Genome position (GRCh38, 1-based): chr1:55,043,938, G>A. VCF-style: chr1-55043938-G-A. GRCh37 (hg19) VCF-style: chr1-55509611-G-A.
Other names: c.426G>A, p.Gln142= (NM_001407240.1); c.303G>A, p.Gln101= (NM_001407241.1, NM_001407242.1, NM_001407243.1 and 2 more transcripts); c.-73G>A (NM_001407246.1); c.208-2585G>A (NM_001407245.1).
Identifiers: ClinVar variation 3387425 (VCV003387425.1).
Genomic context (GRCh38, chr1:55,043,938, plus strand): 5'-GCTGAAGGAGGAGACCCACCTCTCGCAGTCAGAGCGCACTGCCCGCCGCCTGCAGGCCCA[G>A]GCTGCCCGCCGGGGATACCTCACCAAGATCCTGCATGTCTTCCATGGCCTTCTTCCTGGC-3'
Protein context (NP_777596.2, residues 91-111): SERTARRLQA[Gln101=]AARRGYLTKI

ClinVar aggregate classification (germline): Likely benign (1 of 4 stars; one submission).

Conditions:
Hypercholesterolemia, autosomal dominant, 3 (FHCL3). Also called: Familial Hypercholesterolemia, Autosomal Dominant, 3; PCSK9-Related Familial Hypercholesterolemia, Autosomal Dominant; Familial hypercholesterolemia 3. Identifiers: MedGen C1863551, MONDO:0011369, OMIM 603776.

Submission:

All of Us Research Program, National Institutes of Health
Classification: Likely benign for Hypercholesterolemia, autosomal dominant, 3. Last evaluated: 2024-06-17. Review status: criteria provided, single submitter. Criteria: ACMG Guidelines, 2015. Collection method: clinical testing. Allele origin: germline. Inheritance: Autosomal dominant inheritance. Observed: 1 variant allele, 1 heterozygote.
Comment: This study involves interpretation of variants in research participants for the purpose of population health screening. Participant phenotype was not available at the time of variant classification. Additional details can be found in publication PMID: 35346344, PMCID: PMC8962531